The following is an entry in ClinVar:

NM_003718.5(CDK13):c.3351G>T (p.Lys1117Asn)

Gene: CDK13 (cyclin dependent kinase 13; plus strand). Cytogenetic location: 7p14.1.
Variant type: single nucleotide variant.
Coding change: c.3351G>T on transcript NM_003718.5 (MANE Select); coding-DNA position 3351, G replaced by T.
Protein change: p.Lys1117Asn; replaces lysine 1117 with asparagine.
Molecular consequence: missense variant. On other transcripts: intron variant (1).
Genome position (GRCh38, 1-based): chr7:40,092,900, G>T. VCF-style: chr7-40092900-G-T. GRCh37 (hg19) VCF-style: chr7-40132499-G-T.
Other names: c.3236-65G>T (NM_031267.3); short protein forms K1117N.
Identifiers: ClinVar variation 3701072 (VCV003701072.2).

ClinVar aggregate classification (germline): Uncertain significance (1 of 4 stars; one submission).

Submission:

Labcorp Genetics (formerly Invitae), Labcorp
Classification: Uncertain significance. Last evaluated: 2024-03-26. Review status: criteria provided, single submitter. Criteria: Invitae Variant Classification Sherloc (09022015). Collection method: clinical testing. Allele origin: germline.
Comment: This sequence change replaces lysine, which is basic and polar, with asparagine, which is neutral and polar, at codon 1117 of the CDK13 protein (p.Lys1117Asn). This variant is not present in population databases (gnomAD no frequency). This variant has not been reported in the literature in individuals affected with CDK13-related conditions. Advanced modeling of protein sequence and biophysical properties (such as structural, functional, and spatial information, amino acid conservation, physicochemical variation, residue mobility, and thermodynamic stability) has been performed at Invitae for this missense variant, however the output from this modeling did not meet the statistical confidence thresholds required to predict the impact of this variant on CDK13 protein function. In summary, the available evidence is currently insufficient to determine the role of this variant in disease. Therefore, it has been classified as a Variant of Uncertain Significance.